The following is an entry in ClinVar:

NM_001122955.4(BSCL2):c.810C>T (p.Arg270=)

Genes: HNRNPUL2-BSCL2 (HNRNPUL2-BSCL2 readthrough (NMD candidate); minus strand), BSCL2 (BSCL2 lipid droplet biogenesis associated, seipin; minus strand). Cytogenetic location: 11q12.3.
Variant type: single nucleotide variant.
Coding change: c.810C>T on transcript NM_001122955.4 (MANE Select); coding-DNA position 810, C replaced by T.
Protein change: p.Arg270=; no amino-acid change (arginine 270 retained).
Molecular consequence: synonymous variant. On other transcripts: non-coding transcript variant (1).
Genome position (GRCh38, 1-based): chr11:62,692,429, G>A on the plus strand (C>T on the coding strand, the complement: BSCL2 is on the minus strand). VCF-style: chr11-62692429-G-A. GRCh37 (hg19) VCF-style: chr11-62459901-G-A.
Other names: c.618C>T, p.Arg206= (NM_001130702.2, NM_032667.6); c.810C>T, p.Arg270= (NM_001386027.1, NM_001386028.1); c.810C>T (NM_001122955.3).
Identifiers: ClinVar variation 515141 (VCV000515141.14), dbSNP rs998498207, ClinGen allele CA223631235.

ClinVar aggregate classification (germline): Conflicting classifications of pathogenicity. Review status: criteria provided, conflicting classifications (1 of 4 stars). 7 submissions from 6 submitters: Uncertain significance (2); Likely benign (5). Last evaluated 2025-07-02.

Conditions:
Inborn genetic diseases. Identifiers: MedGen C0950123, MeSH D030342.
Charcot-Marie-Tooth disease type 2. Also called: Charcot-Marie-Tooth type 2. Identifiers: Orphanet 64746, MedGen C0270914, MONDO:0018993.
Neuronopathy, distal hereditary motor, type 5A (HMND5). Also called: Distal Spinal Muscular Atrophy V; DHMN VA; NEURONOPATHY, DISTAL HEREDITARY MOTOR, AUTOSOMAL DOMINANT 5; Distal Spinal Muscular Atrophy V (dSMA-V). Identifiers: Orphanet 139536, MedGen CN031873, MONDO:0015353, OMIM 600794.
Congenital generalized lipodystrophy type 2 (CGL2). Also called: SEIP SYNDROME; BERARDINELLI SYNDROME; BRUNZELL SYNDROME, BSCL2-RELATED; Berardinelli-Seip Congenital Lipodystrophy Type 2. Identifiers: Orphanet 528, Orphanet 696289, MedGen C1720863, MONDO:0010020, OMIM 269700.

Allele frequency attached by ClinVar (database versions not stated): gnomAD exomes below 0.00001 and 0.00001; TOPMed below 0.00001.

Submissions (7):

Athena Diagnostics
Classification: Likely benign. Last evaluated: 2025-07-02. Review status: criteria provided, single submitter. Criteria: Athena Diagnostics Criteria. Collection method: clinical testing. Allele origin: unknown.
Comment: Computational tools yielded predictions that this variant is unlikely to have an effect on normal RNA splicing. This nucleotide position exhibits low evolutionary conservation.

Labcorp Genetics (formerly Invitae), Labcorp
Classification: Likely benign for Charcot-Marie-Tooth disease type 2. Last evaluated: 2024-06-11. Review status: criteria provided, single submitter. Criteria: Invitae Variant Classification Sherloc (09022015). Collection method: clinical testing. Allele origin: germline.

Blueprint Genetics
Classification: Likely benign. Last evaluated: 2021-01-13. Review status: criteria provided, single submitter. Criteria: ACMG Guidelines, 2015. Collection method: clinical testing. Allele origin: germline.

Ambry Genetics
Classification: Likely benign for Inborn genetic diseases. Last evaluated: 2019-07-11. Review status: criteria provided, single submitter. Criteria: Ambry Variant Classification Scheme 2023. Collection method: clinical testing. Allele origin: germline.

GeneDx
Classification: Likely benign. Last evaluated: 2018-02-05. Review status: criteria provided, single submitter. Criteria: GeneDx Variant Classification (06012015). Collection method: clinical testing. Allele origin: germline. Affected: yes.
Comment: This variant is considered likely benign or benign based on one or more of the following criteria: it is a conservative change, it occurs at a poorly conserved position in the protein, it is predicted to be benign by multiple in silico algorithms, and/or has population frequency not consistent with disease.

Illumina Laboratory Services, Illumina
Classification: Uncertain significance for Neuronopathy, distal hereditary motor, type 5A. Last evaluated: 2018-01-13. Review status: criteria provided, single submitter. Criteria: ICSL Variant Classification Criteria 13 December 2019. Collection method: clinical testing. Allele origin: germline.

Illumina Laboratory Services, Illumina
Classification: Uncertain significance for Congenital generalized lipodystrophy type 2. Last evaluated: 2018-01-13. Review status: criteria provided, single submitter. Criteria: ICSL Variant Classification Criteria 13 December 2019. Collection method: clinical testing. Allele origin: germline.